The following is an entry in ClinVar:

ClinVar aggregate classification (germline): Uncertain significance. Review status: criteria provided, multiple submitters, no conflicts (2 of 4 stars). 2 submissions from 2 submitters: Uncertain significance (2). Last evaluated 2025-11-25.

Conditions:
Inborn genetic diseases. Identifiers: MedGen C0950123, MeSH D030342.

Allele frequency attached by ClinVar (database versions not stated): gnomAD 0.00001; TOPMed 0.00003; gnomAD exomes below 0.00001; ExAC 0.00002; ESP Exome Variant Server 0.00015.
gnomAD v4.1: 3 of 1,613,860 alleles (0.00019%); highest among the groups gnomAD compares: Non-Finnish European, 0.00025%; no homozygotes.

Submissions (2):

Labcorp Genetics (formerly Invitae), Labcorp
Classification: Uncertain significance. Last evaluated: 2025-11-25. Review status: criteria provided, single submitter. Criteria: Invitae Variant Classification Sherloc (09022015). Collection method: clinical testing. Allele origin: germline.
Comment: This sequence change replaces alanine, which is neutral and non-polar, with threonine, which is neutral and polar, at codon 210 of the SLC1A2 protein (p.Ala210Thr). This variant is present in population databases (rs377377102, gnomAD 0.007%). This variant has not been reported in the literature in individuals affected with SLC1A2-related conditions. ClinVar contains an entry for this variant (Variation ID: 3163264). An algorithm developed to predict the effect of missense changes on protein structure and function outputs the following: PolyPhen-2: "Benign". The threonine amino acid residue is found in multiple mammalian species, which suggests that this missense change does not adversely affect protein function. In summary, the available evidence is currently insufficient to determine the role of this variant in disease. Therefore, it has been classified as a Variant of Uncertain Significance.

Ambry Genetics
Classification: Uncertain significance for Inborn genetic diseases. Last evaluated: 2023-11-14. Review status: criteria provided, single submitter. Criteria: Ambry Variant Classification Scheme 2023. Collection method: clinical testing. Allele origin: germline.

NM_004171.4(SLC1A2):c.628G>A (p.Ala210Thr)

Gene: SLC1A2 (solute carrier family 1 member 2; minus strand). Cytogenetic location: 11p13.
Variant type: single nucleotide variant.
Coding change: c.628G>A on transcript NM_004171.4 (MANE Select); coding-DNA position 628, G replaced by A.
Protein change: p.Ala210Thr; replaces alanine 210 with threonine.
Molecular consequence: missense variant.
Genome position (GRCh38, 1-based): chr11:35,306,176, C>T on the plus strand (G>A on the coding strand, the complement: SLC1A2 is on the minus strand). VCF-style: chr11-35306176-C-T. GRCh37 (hg19) VCF-style: chr11-35327723-C-T.
Other names: c.601G>A, p.Ala201Thr (NM_001195728.3, NM_001252652.2); short protein forms A201T, A210T.
Identifiers: ClinVar variation 3163264 (VCV003163264.3), dbSNP rs377377102, ClinGen allele CA5947263.